The following is an entry in ClinVar:

ClinVar aggregate classification (germline): Likely benign (1 of 4 stars; one submission).

Submission:

CeGaT Center for Human Genetics Tuebingen
Classification: Likely benign. Last evaluated: 2025-11-01. Review status: criteria provided, single submitter. Criteria: CeGaT Center For Human Genetics Tuebingen Variant Classification Criteria Version 2. Collection method: clinical testing. Allele origin: germline. Affected: yes. Observed: 1 variant allele.
Comment: QRICH2: BP4, BP7

NM_001388453.1(QRICH2):c.2628G>A (p.Val876=)

Gene: QRICH2 (glutamine rich 2; minus strand). Cytogenetic location: 17q25.1.
Variant type: single nucleotide variant.
Coding change: c.2628G>A on transcript NM_001388453.1 (MANE Select); coding-DNA position 2628, G replaced by A.
Protein change: p.Val876=; no amino-acid change (valine 876 retained).
Molecular consequence: synonymous variant.
Genome position (GRCh38, 1-based): chr17:76,292,099, C>T on the plus strand (G>A on the coding strand, the complement: QRICH2 is on the minus strand). VCF-style: chr17-76292099-C-T. GRCh37 (hg19) VCF-style: chr17-74288180-C-T.
Other names: c.2628G>A, p.Val876= (NM_032134.3).
Identifiers: ClinVar variation 4681293 (VCV004681293.5).